The following is an entry in ClinVar:

ClinVar aggregate classification (germline): Conflicting classifications of pathogenicity. Review status: criteria provided, conflicting classifications (1 of 4 stars). 6 submissions from 6 submitters: Uncertain significance (4); Likely benign (2). Last evaluated 2026-10-11.

Conditions:
Woodhouse-Sakati syndrome. Also called: EXTRAPYRAMIDAL DISORDER, PROGRESSIVE, WITH PRIMARY HYPOGONADISM, MENTAL RETARDATION, AND ALOPECIA; Hypogonadism, diabetes mellitus, alopecia, mental retardation and electrocardiographic abnormalities; Hypogonadism, Alopecia, Diabetes Mellitus, Mental Retardation, and Extrapyramidal Syndrome. Identifiers: Orphanet 3464, MedGen C0342286, MONDO:0009419, OMIM 241080.
DCAF17-related disorder. Also called: DCAF17-related condition.
Inborn genetic diseases. Identifiers: MedGen C0950123, MeSH D030342.

Allele frequency attached by ClinVar (database versions not stated): 1000 Genomes Project 30x 0.00047; ExAC 0.00070; TOPMed 0.00051; gnomAD 0.00057 and 0.00060; 1000 Genomes Project 0.00060; gnomAD exomes 0.00059 and 0.00084; ESP Exome Variant Server 0.00100.

Submissions (6):

GeneDx
Classification: Uncertain significance. Last evaluated: 2026-10-11. Review status: criteria provided, single submitter. Criteria: GeneDx Variant Classification Process June 2021. Collection method: clinical testing. Allele origin: germline.
Comment: Reported in a patient with infantile onset Pompe disease; however, the patient was homozygous for a pathogenic variant in the GAA gene and a second DCAF17 variant was not identified (PMID: 28726123); In silico analysis supports that this missense variant has a deleterious effect on protein structure/function; This variant is associated with the following publications: (PMID: 28726123)

PreventionGenetics, part of Exact Sciences
Classification: Uncertain significance for DCAF17-related condition. Last evaluated: 2026-04-08. Review status: criteria provided, single submitter. Criteria: ACMG Guidelines, 2015. Collection method: clinical testing. Allele origin: germline.
Comment: The DCAF17 c.1030T>C variant is predicted to result in the amino acid substitution p.Trp344Arg. To our knowledge, this variant has not been reported in the literature. This variant is reported in 0.11% of alleles in individuals of European (Non-Finnish) descent in gnomAD. Although we suspect that this variant may be benign, at this time, the clinical significance of this variant is uncertain due to the absence of conclusive functional and genetic evidence.

Labcorp Genetics (formerly Invitae), Labcorp
Classification: Likely benign for Woodhouse-Sakati syndrome. Last evaluated: 2026-01-31. Review status: criteria provided, single submitter. Criteria: Invitae Variant Classification Sherloc (09022015). Collection method: clinical testing. Allele origin: germline.

Blueprint Genetics
Classification: Likely benign. Last evaluated: 2024-11-22. Review status: criteria provided, single submitter. Criteria: ACMG Guidelines, 2015. Collection method: clinical testing. Allele origin: germline.

Ambry Genetics
Classification: Uncertain significance for Inborn genetic diseases. Last evaluated: 2024-11-11. Review status: criteria provided, single submitter. Criteria: Ambry Variant Classification Scheme 2023. Collection method: clinical testing. Allele origin: germline.

Illumina Laboratory Services, Illumina
Classification: Uncertain significance for Woodhouse-Sakati syndrome. Last evaluated: 2018-01-12. Review status: criteria provided, single submitter. Criteria: ICSL Variant Classification Criteria 13 December 2019. Collection method: clinical testing. Allele origin: germline.

NM_025000.4(DCAF17):c.1030T>C (p.Trp344Arg)

Gene: DCAF17 (DDB1 and CUL4 associated factor 17; plus strand). Cytogenetic location: 2q31.1.
Variant type: single nucleotide variant.
Coding change: c.1030T>C on transcript NM_025000.4 (MANE Select); coding-DNA position 1030, T replaced by C.
Protein change: p.Trp344Arg; replaces tryptophan 344 with arginine.
Molecular consequence: missense variant. On other transcripts: non-coding transcript variant (1), intron variant (1).
Genome position (GRCh38, 1-based): chr2:171,473,914, T>C. VCF-style: chr2-171473914-T-C. GRCh37 (hg19) VCF-style: chr2-172330424-T-C.
Other names: c.982-4073T>C (NM_001164821.2); short protein forms W344R.
Identifiers: ClinVar variation 332269 (VCV000332269.24), dbSNP rs78488864, ClinGen allele CA1964867.